The following is an entry in ClinVar:

ClinVar aggregate classification (germline): Conflicting classifications of pathogenicity. Review status: criteria provided, conflicting classifications (1 of 4 stars). 2 submissions from 2 submitters: Uncertain significance (1); Likely benign (1). Last evaluated 2025-01-08.

Conditions:
Developmental and epileptic encephalopathy, 31A. Also called: Developmental and epileptic encephalopathy, 31; Epileptic encephalopathy, early infantile, 31. Identifiers: Orphanet 2382, MedGen C4225357, MONDO:0014598, OMIM 616346.

Allele frequency attached by ClinVar (database versions not stated): gnomAD exomes below 0.00001; TOPMed below 0.00001; ExAC 0.00001.
gnomAD v4.1: 5 of 1,614,102 alleles (0.00031%); highest among the groups gnomAD compares: Admixed American, 0.0017%; no homozygotes.

Submissions (2):

Women's Health and Genetics/Laboratory Corporation of America, LabCorp
Classification: Uncertain significance. Last evaluated: 2025-01-08. Review status: criteria provided, single submitter. Criteria: LabCorp Variant Classification Summary - May 2015. Collection method: clinical testing. Allele origin: germline.
Comment: Variant summary: DNM1 c.1125C>A alters a conserved nucleotide resulting in a synonymous change. Several computational tools predict a significant impact on normal splicing: Four predict the variant creates a 5' donor site. However, these predictions have yet to be confirmed by functional studies. The variant allele was found at a frequency of 4e-06 in 251336 control chromosomes. The available data on variant occurrences in the general population are insufficient to allow any conclusion about variant significance. To our knowledge, no occurrence of c.1125C>A in individuals affected with Developmental And Epileptic Encephalopathy, 31 and no experimental evidence demonstrating its impact on protein function have been reported. ClinVar contains an entry for this variant (Variation ID: 1077639). Based on the evidence outlined above, the variant was classified as uncertain significance.

Labcorp Genetics (formerly Invitae), Labcorp
Classification: Likely benign for Developmental and epileptic encephalopathy, 31A. Last evaluated: 2023-09-15. Review status: criteria provided, single submitter. Criteria: Invitae Variant Classification Sherloc (09022015). Collection method: clinical testing. Allele origin: germline.

NM_004408.4(DNM1):c.1125C>A (p.Val375=)

Gene: DNM1 (dynamin 1; plus strand). Cytogenetic location: 9q34.11.
Variant type: single nucleotide variant.
Coding change: c.1125C>A on transcript NM_004408.4 (MANE Select); coding-DNA position 1125, C replaced by A.
Protein change: p.Val375=; no amino-acid change (valine 375 retained).
Molecular consequence: synonymous variant.
Genome position (GRCh38, 1-based): chr9:128,222,593, C>A. VCF-style: chr9-128222593-C-A. GRCh37 (hg19) VCF-style: chr9-130984872-C-A.
Other names: c.1125C>A, p.Val375= (NM_001005336.3, NM_001288737.2, NM_001288738.2 and 2 more transcripts).
Identifiers: ClinVar variation 1077639 (VCV001077639.11), dbSNP rs760118978, ClinGen allele CA5257975.